The following is an entry in ClinVar:

NM_000130.5(F5):c.4339C>T (p.Leu1447Phe)

Gene: F5 (coagulation factor V; minus strand). Cytogenetic location: 1q24.2.
Variant type: single nucleotide variant.
Coding change: c.4339C>T on transcript NM_000130.5 (MANE Select); coding-DNA position 4339, C replaced by T.
Protein change: p.Leu1447Phe; replaces leucine 1447 with phenylalanine.
Molecular consequence: missense variant.
Genome position (GRCh38, 1-based): chr1:169,540,751, G>A on the plus strand (C>T on the coding strand, the complement: F5 is on the minus strand). VCF-style: chr1-169540751-G-A. GRCh37 (hg19) VCF-style: chr1-169509989-G-A.
Other names: short protein forms L1447F.
Identifiers: ClinVar variation 3710398 (VCV003710398.2).

ClinVar aggregate classification (germline): Uncertain significance (1 of 4 stars; one submission).

Conditions:
Congenital factor V deficiency. Also called: Hereditary factor V deficiency disease; LABILE FACTOR DEFICIENCY; OWREN PARAHEMOPHILIA; PARAHEMOPHILIA. Identifiers: Orphanet 326, MedGen C0015499, MONDO:0009210, OMIM 227400.

gnomAD v4.1: 4 of 1,613,938 alleles (0.00025%); highest among the groups gnomAD compares: African/African-American, 0.0027%; no homozygotes.

Submission:

Labcorp Genetics (formerly Invitae), Labcorp
Classification: Uncertain significance for Congenital factor V deficiency. Last evaluated: 2024-02-17. Review status: criteria provided, single submitter. Criteria: Invitae Variant Classification Sherloc (09022015). Collection method: clinical testing. Allele origin: germline.
Comment: This sequence change replaces leucine, which is neutral and non-polar, with phenylalanine, which is neutral and non-polar, at codon 1447 of the F5 protein (p.Leu1447Phe). This variant is present in population databases (rs756114950, gnomAD 0.003%). This variant has not been reported in the literature in individuals affected with F5-related conditions. Algorithms developed to predict the effect of missense changes on protein structure and function output the following: SIFT: "Not Available"; PolyPhen-2: "Benign"; Align-GVGD: "Not Available". The phenylalanine amino acid residue is found in multiple mammalian species, which suggests that this missense change does not adversely affect protein function. In summary, the available evidence is currently insufficient to determine the role of this variant in disease. Therefore, it has been classified as a Variant of Uncertain Significance.